The following is an entry in ClinVar:

NM_019892.6(INPP5E):c.1393G>A (p.Val465Ile)

Gene: INPP5E (inositol polyphosphate-5-phosphatase E; minus strand). Cytogenetic location: 9q34.3.
Variant type: single nucleotide variant.
Coding change: c.1393G>A on transcript NM_019892.6 (MANE Select); coding-DNA position 1393, G replaced by A.
Protein change: p.Val465Ile; replaces valine 465 with isoleucine.
Molecular consequence: missense variant.
Genome position (GRCh38, 1-based): chr9:136,431,980, C>T on the plus strand (G>A on the coding strand, the complement: INPP5E is on the minus strand). VCF-style: chr9-136431980-C-T. GRCh37 (hg19) VCF-style: chr9-139326432-C-T.
Other names: c.1390G>A, p.Val464Ile (NM_001318502.2); c.1393G>A (NM_019892.5); short protein forms V464I, V465I.
Identifiers: ClinVar variation 914436 (VCV000914436.17), dbSNP rs750331066, ClinGen allele CA5336804.

ClinVar aggregate classification (germline): Conflicting classifications of pathogenicity. Review status: criteria provided, conflicting classifications (1 of 4 stars). 7 submissions from 7 submitters: Pathogenic (1); Likely pathogenic (2); Uncertain significance (4). Last evaluated 2025-10-16.

Conditions:
Joubert syndrome 1 (JBTS1). Also called: Cerebellooculorenal syndrome 1; CEREBELLOPARENCHYMAL DISORDER IV. Identifiers: MedGen C4551568, MONDO:0008944, OMIM 213300.
MORM syndrome (MORMS). Identifiers: Orphanet 75858, MedGen C1857802, MONDO:0012423, OMIM 610156.
Joubert syndrome. Also called: Familial aplasia of the vermis; JOUBERT-BOLTSHAUSER SYNDROME. Identifiers: Orphanet 475, MedGen C5979921, MONDO:0018772.
Rod-cone dystrophy. Identifiers: MedGen C4551714, HP:0000510.
INPP5E-related disorder. Also called: INPP5E-related condition.

Allele frequency attached by ClinVar (database versions not stated): ExAC 0.00001; gnomAD 0.00002; gnomAD exomes 0.00002; TOPMed 0.00002.
gnomAD v4.1: 30 of 1,612,490 alleles (0.0019%); highest among the groups gnomAD compares: East Asian, 0.0022%; no homozygotes.

Submissions (7):

PreventionGenetics, part of Exact Sciences
Classification: Likely pathogenic for INPP5E-related condition. Last evaluated: 2025-10-16. Review status: criteria provided, single submitter. Criteria: ACMG Guidelines, 2015. Collection method: clinical testing. Allele origin: germline.
Comment: The INPP5E c.1393G>A variant is predicted to result in the amino acid substitution p.Val465Ile. That individual was also heterozygous for a pathogenic frameshift variant in INPP5E. Two siblings were also reportedly affected, though neither underwent molecular testing (Sangermano et al. 2021. PubMed ID: 34188062). This variant was also reported in the compound heterozygous state with an INPP5E frameshift variant in two siblings with Joubert syndrome (Fang et al. 2023. PubMed ID: 37735380). This variant is reported in 0.0040% of alleles in individuals of African descent in gnomAD. This variant is interpreted as likely pathogenic.

Labcorp Genetics (formerly Invitae), Labcorp
Classification: Pathogenic for Joubert syndrome. Last evaluated: 2025-09-02. Review status: criteria provided, single submitter. Criteria: Invitae Variant Classification Sherloc (09022015). Collection method: clinical testing. Allele origin: germline.
Comment: This sequence change replaces valine, which is neutral and non-polar, with isoleucine, which is neutral and non-polar, at codon 465 of the INPP5E protein (p.Val465Ile). This variant is present in population databases (rs750331066, gnomAD 0.004%). This missense change has been observed in individual(s) with clinical features of retinitis pigmentosa and/or Joubert syndrome (PMID: 34188062, 37735380; internal data). In at least one individual the data is consistent with being in trans (on the opposite chromosome) from a pathogenic variant. ClinVar contains an entry for this variant (Variation ID: 914436). Invitae Evidence Modeling of protein sequence and biophysical properties (such as structural, functional, and spatial information, amino acid conservation, physicochemical variation, residue mobility, and thermodynamic stability) has been performed for this missense variant. However, the output from this modeling did not meet the statistical confidence thresholds required to predict the impact of this variant on INPP5E protein function. For these reasons, this variant has been classified as Pathogenic.

Fulgent Genetics
Classification: Likely pathogenic for Joubert syndrome 1; MORM syndrome. Last evaluated: 2024-06-01. Review status: criteria provided, single submitter. Criteria: ACMG Guidelines, 2015. Collection method: clinical testing. Allele origin: germline.

Women's Health and Genetics/Laboratory Corporation of America, LabCorp
Classification: Uncertain significance. Last evaluated: 2023-09-28. Review status: criteria provided, single submitter. Criteria: LabCorp Variant Classification Summary - May 2015. Collection method: clinical testing. Allele origin: germline.
Comment: Variant summary: INPP5E c.1393G>A (p.Val465Ile) results in a conservative amino acid change located in the Inositol polyphosphate-related phosphatase (IPR000300) of the encoded protein sequence. Three of five in-silico tools predict a benign effect of the variant on protein function. The variant allele was found at a frequency of 1.6e-05 in 248478 control chromosomes. The available data on variant occurrences in the general population are insufficient to allow any conclusion about variant significance. c.1393G>A has been reported in the literature in one homozygous individual affected with non-syndromic rod cone degeneration, without evidence for familial co-segregation within a large family (e.g. Sangermano_2021). These report(s) do not provide unequivocal conclusions about association of the variant with Joubert Syndrome And Related Disorders. To our knowledge, no experimental evidence demonstrating an impact on protein function has been reported. The following publication have been ascertained in the context of this evaluation (PMID: 34188062). Three submitters have cited clinical-significance assessments for this variant to ClinVar after 2014. All submitters classified the variant as uncertain significance. Based on the evidence outlined above, the variant was classified as uncertain significance.

Blueprint Genetics
Classification: Uncertain significance. Last evaluated: 2021-06-13. Review status: criteria provided, single submitter. Criteria: ACMG Guidelines, 2015. Collection method: clinical testing. Allele origin: germline.

Ocular Genomics Institute, Massachusetts Eye and Ear
Classification: Uncertain significance for Rod-cone dystrophy. Last evaluated: 2021-04-08. Review status: criteria provided, single submitter. Criteria: ACMG Guidelines, 2015. Collection method: research. Allele origin: germline. Affected: yes.
Comment: Through a review of available evidence we were able to apply the following criteria: PM1, PM2, PP3. Based on this evidence we have classified this variant as Variant of Uncertain Significance.

Illumina Laboratory Services, Illumina
Classification: Uncertain significance for Joubert syndrome 1. Last evaluated: 2018-01-12. Review status: criteria provided, single submitter. Criteria: ICSL Variant Classification Criteria 13 December 2019. Collection method: clinical testing. Allele origin: germline.

Literature cited by the submitters: PubMed 34188062 (cited by Labcorp Genetics (formerly Invitae), Labcorp and Women's Health and Genetics/Laboratory Corporation of America, LabCorp); PubMed 37735380 (cited by Labcorp Genetics (formerly Invitae), Labcorp).